The following is an entry in ClinVar:

NM_001754.5(RUNX1):c.719C>G (p.Pro240Arg)

Gene: RUNX1 (RUNX family transcription factor 1; minus strand). Cytogenetic location: 21q22.12.
Variant type: single nucleotide variant.
Coding change: c.719C>G on transcript NM_001754.5 (MANE Select); coding-DNA position 719, C replaced by G.
Protein change: p.Pro240Arg; replaces proline 240 with arginine.
Molecular consequence: missense variant.
Genome position (GRCh38, 1-based): chr21:34,834,496, G>C on the plus strand (C>G on the coding strand, the complement: RUNX1 is on the minus strand). VCF-style: chr21-34834496-G-C. GRCh37 (hg19) VCF-style: chr21-36206793-G-C.
Other names: NM_001754.5(RUNX1):c.719C>G; p.Pro240Arg; c.638C>G, p.Pro213Arg (NM_001001890.3, NM_001122607.2); short protein forms P240R, P213R.
Identifiers: ClinVar variation 4158221 (VCV004158221.2).

ClinVar aggregate classification (germline): Uncertain significance. Review status: reviewed by expert panel (3 of 4 stars). 2 submissions from 2 submitters: Uncertain significance (1). 1 of the submissions does not count toward it. Last evaluated 2026-05-27.

Conditions:
Hereditary thrombocytopenia and hematologic cancer predisposition syndrome. Identifiers: Orphanet 71290, MedGen CN281654, MONDO:0011071.
Inborn genetic diseases. Identifiers: MedGen C0950123, MeSH D030342.

Submissions (2):

ClinGen Myeloid Malignancy Variant Curation Expert Panel
Classification: Uncertain significance for Hereditary thrombocytopenia and hematologic cancer predisposition syndrome. Last evaluated: 2026-05-27. Review status: reviewed by expert panel. Criteria: ClinGen MyeloMalig ACMG Specifications V3.1. Collection method: curation. Allele origin: germline. Inheritance: Autosomal dominant inheritance.
Comment: NM_001754.5(RUNX1):c.719C>G (p.Pro240Arg) is a missense variant which is completely absent from all population databases with at least 20x coverage for RUNX1 (PM2_Supporting). In summary, the clinical significance of this variant is uncertain. ACMG/AMP criteria applied, as specified by the Myeloid Malignancy Variant Curation Expert Panel for RUNX1: PM2_supporting.

Ambry Genetics
Classification: Uncertain significance for Inborn genetic diseases. Last evaluated: 2025-08-11. Review status: criteria provided, single submitter. Criteria: Ambry Variant Classification Scheme 2023. Collection method: clinical testing. Allele origin: germline. Not counted in ClinVar's aggregate classification.
Comment: The p.P240R variant (also known as c.719C>G), located in coding exon 6 of the RUNX1 gene, results from a C to G substitution at nucleotide position 719. The proline at codon 240 is replaced by arginine, an amino acid with dissimilar properties. This amino acid position is conserved. In addition, this alteration is predicted to be deleterious by in silico analysis. Based on the available evidence, the clinical significance of this variant remains unclear.